The following is an entry in ClinVar:

NM_005619.5(RTN2):c.1451-1G>A

Genes: OPA3-RTN2 (OPA3-RTN2 readthrough; minus strand), RTN2 (reticulon 2; minus strand). Cytogenetic location: 19q13.32.
Variant type: single nucleotide variant.
Coding change: c.1451-1G>A on transcript NM_005619.5 (MANE Select); the canonical splice acceptor site of the intron before coding-DNA position 1451, G replaced by A.
Molecular consequence: splice acceptor variant.
Genome position (GRCh38, 1-based): chr19:45,488,518, C>T on the plus strand (G>A on the coding strand, the complement: RTN2 is on the minus strand). VCF-style: chr19-45488518-C-T. GRCh37 (hg19) VCF-style: chr19-45991776-C-T.
Other names: c.1232-1G>A (NM_206900.3); c.431-1G>A (NM_206901.3).
Identifiers: ClinVar variation 3380626 (VCV003380626.1).

ClinVar aggregate classification (germline): Uncertain significance (1 of 4 stars; one submission).

Submission:

Mayo Clinic Laboratories, Mayo Clinic
Classification: Uncertain significance. Last evaluated: 2024-06-04. Review status: criteria provided, single submitter. Criteria: ACMG Guidelines, 2015. Collection method: clinical testing. Allele origin: germline. Observed: 1 variant allele.
Comment: PM2, PVS1_moderate